The following is an entry in ClinVar:

ClinVar aggregate classification (germline): Uncertain significance (1 of 4 stars; one submission).

Allele frequency attached by ClinVar (database versions not stated): gnomAD exomes below 0.00001 and 0.00001; gnomAD 0.00001; TOPMed 0.00001.
gnomAD v4.1: 17 of 1,614,084 alleles (0.0011%); highest among the groups gnomAD compares: East Asian, 0.0022%; no homozygotes.

Submission:

Labcorp Genetics (formerly Invitae), Labcorp
Classification: Uncertain significance. Last evaluated: 2021-05-14. Review status: criteria provided, single submitter. Criteria: Invitae Variant Classification Sherloc (09022015). Collection method: clinical testing. Allele origin: germline.
Comment: In summary, the available evidence is currently insufficient to determine the role of this variant in disease. Therefore, it has been classified as a Variant of Uncertain Significance. Algorithms developed to predict the effect of missense changes on protein structure and function are either unavailable or do not agree on the potential impact of this missense change (SIFT: "Not Available"; PolyPhen-2: "Possibly Damaging"; Align-GVGD: "Not Available"). This variant has not been reported in the literature in individuals with LCT-related conditions. This variant is not present in population databases (ExAC no frequency). This sequence change replaces alanine with threonine at codon 1143 of the LCT protein (p.Ala1143Thr). The alanine residue is highly conserved and there is a small physicochemical difference between alanine and threonine.

NM_002299.4(LCT):c.3427G>A (p.Ala1143Thr)

Gene: LCT (lactase; minus strand). Cytogenetic location: 2q21.3.
Variant type: single nucleotide variant.
Coding change: c.3427G>A on transcript NM_002299.4 (MANE Select); coding-DNA position 3427, G replaced by A.
Protein change: p.Ala1143Thr; replaces alanine 1143 with threonine.
Molecular consequence: missense variant.
Genome position (GRCh38, 1-based): chr2:135,808,920, C>T on the plus strand (G>A on the coding strand, the complement: LCT is on the minus strand). VCF-style: chr2-135808920-C-T. GRCh37 (hg19) VCF-style: chr2-136566490-C-T.
Other names: short protein forms A1143T.
Identifiers: ClinVar variation 1353689 (VCV001353689.4), dbSNP rs1305451365, ClinGen allele CA348599679.